The following is an entry in ClinVar:

ClinVar aggregate classification (germline): Uncertain significance (1 of 4 stars; one submission).

Conditions:
Intellectual developmental disorder, autosomal dominant 1. Also called: Intellectual disability, autosomal dominant 1; MBD5 Haploinsufficiency. Identifiers: Orphanet 228402, MedGen C1969562, MONDO:0007974, OMIM 156200.

Allele frequency attached by ClinVar (database versions not stated): gnomAD exomes below 0.00001; gnomAD 0.00001; TOPMed below 0.00001.
gnomAD v4.1: 4 of 1,613,992 alleles (0.00025%); highest among the groups gnomAD compares: African/African-American, 0.0053%; no homozygotes.

Submission:

Labcorp Genetics (formerly Invitae), Labcorp
Classification: Uncertain significance for Intellectual developmental disorder, autosomal dominant 1. Last evaluated: 2024-04-30. Review status: criteria provided, single submitter. Criteria: Invitae Variant Classification Sherloc (09022015). Collection method: clinical testing. Allele origin: germline.
Comment: This sequence change replaces serine, which is neutral and polar, with tyrosine, which is neutral and polar, at codon 999 of the MBD5 protein (p.Ser999Tyr). This variant is not present in population databases (gnomAD no frequency). This variant has not been reported in the literature in individuals affected with MBD5-related conditions. ClinVar contains an entry for this variant (Variation ID: 1400577). Advanced modeling of protein sequence and biophysical properties (such as structural, functional, and spatial information, amino acid conservation, physicochemical variation, residue mobility, and thermodynamic stability) performed at Invitae indicates that this missense variant is not expected to disrupt MBD5 protein function with a negative predictive value of 80%. In summary, the available evidence is currently insufficient to determine the role of this variant in disease. Therefore, it has been classified as a Variant of Uncertain Significance.

NM_001378120.1(MBD5):c.3695C>A (p.Ser1232Tyr)

Gene: MBD5 (methyl-CpG binding domain protein 5; plus strand). Cytogenetic location: 2q23.1.
Variant type: single nucleotide variant.
Coding change: c.3695C>A on transcript NM_001378120.1 (MANE Select); coding-DNA position 3695, C replaced by A.
Protein change: p.Ser1232Tyr; replaces serine 1232 with tyrosine.
Molecular consequence: missense variant.
Genome position (GRCh38, 1-based): chr2:148,485,892, C>A. VCF-style: chr2-148485892-C-A. GRCh37 (hg19) VCF-style: chr2-149243461-C-A.
Other names: c.2996C>A, p.Ser999Tyr (NM_018328.5); short protein forms S1232Y, S999Y.
Identifiers: ClinVar variation 1400577 (VCV001400577.8), dbSNP rs1681324168, ClinGen allele CA348724674.